The following is an entry in ClinVar:

NM_000098.3(CPT2):c.1916del (p.Cys639fs)

Gene: CPT2 (carnitine palmitoyltransferase 2; plus strand). Cytogenetic location: 1p32.3.
Variant type: Deletion.
Coding change: c.1916del on transcript NM_000098.3 (MANE Select); coding-DNA position 1916, one base deleted (G; older notation c.1916delG).
Protein change: p.Cys639fs; shifts the reading frame from cysteine 639.
Molecular consequence: frameshift variant.
Genome position (GRCh38, 1-based): chr1:53,213,534, G deleted. VCF-style (leftmost placement, unchanged base first): chr1-53213533-TG-T. GRCh37 (hg19) VCF-style: chr1-53679205-TG-T.
Other names: c.1847del, p.Cys616fs (NM_001330589.2); short protein forms C616fs, C639fs.
Identifiers: ClinVar variation 4065430 (VCV004065430.2).

ClinVar aggregate classification (germline): Likely pathogenic (1 of 4 stars; one submission).

Conditions:
Carnitine palmitoyltransferase II deficiency. Also called: Carnitine Palmitoyltransferase 2 Deficiency. Identifiers: Orphanet 157, MedGen C0342790, MONDO:0015515.

Submission:

Natera, Inc.
Classification: Likely pathogenic for Carnitine palmitoyltransferase II deficiency. Last evaluated: 2025-04-18. Review status: criteria provided, single submitter. Criteria: Natera Variant Classification Schema (03/2026). Collection method: clinical testing. Allele origin: germline.
Comment: The c.1916del variant in CPT2 is a frameshift variant predicted to shift the reading frame beginning at codon 639 and leads to a stop codon 6 codons downstream. This variant is expected to result in nonsense mediated decay, truncation, or a dysfunctional protein product. This variant is rare in the general population with a frequency below the threshold expected for the associated phenotype(s). Given the available evidence, this variant is classified as Likely Pathogenic.